The following is an entry in ClinVar:

ClinVar aggregate classification (germline): Benign/Likely benign. Review status: criteria provided, multiple submitters, no conflicts (2 of 4 stars). 4 submissions from 4 submitters: Benign (1); Likely benign (2). 1 of the submissions does not count toward it. Last evaluated 2025-12-24.

Conditions:
KMT2D-related disorder. Also called: KMT2D-Related Disorders.
Kabuki syndrome. Also called: NIIKAWA-KUROKI SYNDROME; Kabuki make-up syndrome. Identifiers: Orphanet 2322, MedGen C0796004, MONDO:0016512.

Allele frequency attached by ClinVar (database versions not stated): gnomAD 0.00001; TOPMed 0.00001; gnomAD exomes 0.00008 and 0.00017; 1000 Genomes Project 30x 0.00016; 1000 Genomes Project 0.00020; ExAC 0.00022.
gnomAD v4.1: 113 of 1,610,868 alleles (0.007%); highest among the groups gnomAD compares: South Asian, 0.12%; 4 homozygotes.

Submissions (4):

Labcorp Genetics (formerly Invitae), Labcorp
Classification: Benign for Kabuki syndrome. Last evaluated: 2025-12-24. Review status: criteria provided, single submitter. Criteria: Invitae Variant Classification Sherloc (09022015). Collection method: clinical testing. Allele origin: germline.

Blueprint Genetics
Classification: Likely benign. Last evaluated: 2023-09-11. Review status: criteria provided, single submitter. Criteria: ACMG Guidelines, 2015. Collection method: clinical testing. Allele origin: germline.

CeGaT Center for Human Genetics Tuebingen
Classification: Likely benign. Last evaluated: 2023-02-01. Review status: criteria provided, single submitter. Criteria: CeGaT Center For Human Genetics Tuebingen Variant Classification Criteria Version 2. Collection method: clinical testing. Allele origin: germline. Affected: yes. Observed: 1 variant allele.
Comment: KMT2D: BP4, BP7, BS1

PreventionGenetics, part of Exact Sciences
Classification: Likely benign for KMT2D-related condition. Last evaluated: 2019-04-22. Review status: no assertion criteria provided. Collection method: clinical testing. Allele origin: germline. Not counted in ClinVar's aggregate classification.
Comment: This variant is classified as likely benign based on ACMG/AMP sequence variant interpretation guidelines (Richards et al. 2015 PMID: 25741868, with internal and published modifications).

NM_003482.4(KMT2D):c.8079G>A (p.Gln2693=)

Gene: KMT2D (lysine methyltransferase 2D; minus strand). Cytogenetic location: 12q13.12.
Variant type: single nucleotide variant.
Coding change: c.8079G>A on transcript NM_003482.4 (MANE Select); coding-DNA position 8079, G replaced by A.
Protein change: p.Gln2693=; no amino-acid change (glutamine 2693 retained).
Molecular consequence: synonymous variant.
Genome position (GRCh38, 1-based): chr12:49,039,585, C>T on the plus strand (G>A on the coding strand, the complement: KMT2D is on the minus strand). VCF-style: chr12-49039585-C-T. GRCh37 (hg19) VCF-style: chr12-49433368-C-T.
Other names: c.8079G>A (NM_003482.3).
Identifiers: ClinVar variation 1622079 (VCV001622079.34), dbSNP rs531286372, ClinGen allele CA6546915.
Genomic context (GRCh38, chr12:49,039,585, plus strand): 5'-TGCTCCTGCAGCTGCTGCAGCTGTTTCCTTCTCCTGCCGCAGGGTGTTGCGCTGGATCTG[C>T]TGCCGAATCAGCAGCTCTCGTAGTCGCTGGCGCTATGCAAAAAAAAGAGAAGAGGAATAA-3'
Protein context (NP_003473.3, residues 2683-2703): RQRLRELLIR[Gln2693=]QIQRNTLRQE